The following is an entry in ClinVar:

ClinVar aggregate classification (germline): Uncertain significance (1 of 4 stars; one submission).

Allele frequency attached by ClinVar (database versions not stated): gnomAD 0.00001; gnomAD exomes 0.00001; ExAC 0.00002; TOPMed 0.00002.
gnomAD v4.1: 15 of 1,613,306 alleles (0.00093%); highest among the groups gnomAD compares: East Asian, 0.0067%; no homozygotes.

Submission:

Labcorp Genetics (formerly Invitae), Labcorp
Classification: Uncertain significance. Last evaluated: 2023-05-20. Review status: criteria provided, single submitter. Criteria: Invitae Variant Classification Sherloc (09022015). Collection method: clinical testing. Allele origin: germline.
Comment: Algorithms developed to predict the effect of sequence changes on RNA splicing suggest that this variant may disrupt the consensus splice site. This variant has not been reported in the literature in individuals affected with ACAN-related conditions. This variant is present in population databases (rs759308876, gnomAD 0.02%). This sequence change affects codon 2310 of the ACAN mRNA. It is a 'silent' change, meaning that it does not change the encoded amino acid sequence of the ACAN protein. In summary, the available evidence is currently insufficient to determine the role of this variant in disease. Therefore, it has been classified as a Variant of Uncertain Significance.

NM_001369268.1(ACAN):c.6930C>T (p.Gly2310=)

Gene: ACAN (aggrecan; plus strand). Cytogenetic location: 15q26.1.
Variant type: single nucleotide variant.
Coding change: c.6930C>T on transcript NM_001369268.1 (MANE Select); coding-DNA position 6930, C replaced by T.
Protein change: p.Gly2310=; no amino-acid change (glycine 2310 retained).
Molecular consequence: synonymous variant. On other transcripts: intron variant (3).
Genome position (GRCh38, 1-based): chr15:88,860,423, C>T. VCF-style: chr15-88860423-C-T. GRCh37 (hg19) VCF-style: chr15-89403654-C-T.
Other names: c.6930C>T, p.Gly2310= (NM_013227.4); c.6832+1006C>T (NM_001411097.1, NM_001411096.1, NM_001135.4).
Identifiers: ClinVar variation 2768098 (VCV002768098.3), dbSNP rs759308876, ClinGen allele CA7720524.